The following is an entry in ClinVar:

ClinVar aggregate classification (germline): Benign/Likely benign. Review status: criteria provided, multiple submitters, no conflicts (2 of 4 stars). 6 submissions from 6 submitters: Benign (1); Likely benign (5). Last evaluated 2026-01-10.

Conditions:
Tuberous sclerosis syndrome (TSC). Also called: Tuberous Sclerosis Complex; Tuberous sclerosis. Identifiers: Orphanet 805, MedGen C0041341, MONDO:0001734.
Hereditary cancer-predisposing syndrome. Also called: Tumor predisposition; Hereditary neoplastic syndrome; Hereditary Cancer Syndrome; Neoplastic Syndromes, Hereditary. Identifiers: Orphanet 140162, MedGen C0027672, MeSH D009386, MONDO:0015356.
Tuberous sclerosis 1 (TSC1). Identifiers: Orphanet 805, MedGen C1854465, MONDO:0008612, OMIM 191100.

Allele frequency attached by ClinVar (database versions not stated): TOPMed below 0.00001; ExAC 0.00001; gnomAD 0.00001; gnomAD exomes 0.00001.
gnomAD v4.1: 10 of 1,614,102 alleles (0.00062%); highest among the groups gnomAD compares: East Asian, 0.0089%; no homozygotes.

Submissions (6):

Labcorp Genetics (formerly Invitae), Labcorp
Classification: Likely benign for Tuberous sclerosis 1. Last evaluated: 2026-01-10. Review status: criteria provided, single submitter. Criteria: Invitae Variant Classification Sherloc (09022015). Collection method: clinical testing. Allele origin: germline.

Myriad Genetics, Inc.
Classification: Benign for Tuberous sclerosis 1. Last evaluated: 2025-04-10. Review status: criteria provided, single submitter. Criteria: Myriad Autosomal Dominant, Autosomal Recessive and X-Linked Classification Criteria (2023). Collection method: clinical testing. Allele origin: unknown.
Comment: This variant is considered benign. This variant is a silent/synonymous amino acid change and it is not expected to impact splicing.

Blueprint Genetics
Classification: Likely benign. Last evaluated: 2024-04-17. Review status: criteria provided, single submitter. Criteria: ACMG Guidelines, 2015. Collection method: clinical testing. Allele origin: germline.

All of Us Research Program, National Institutes of Health
Classification: Likely benign for Tuberous sclerosis syndrome. Last evaluated: 2023-11-20. Review status: criteria provided, single submitter. Criteria: ACMG Guidelines, 2015. Collection method: clinical testing. Allele origin: germline. Inheritance: Autosomal dominant inheritance. Observed: 1 variant allele, 1 heterozygote.
Comment: This study involves interpretation of variants in research participants for the purpose of population health screening. Participant phenotype was not available at the time of variant classification. Additional details can be found in publication PMID: 35346344, PMCID: PMC8962531

Color Diagnostics, LLC DBA Color Health
Classification: Likely benign for Tuberous sclerosis syndrome. Last evaluated: 2023-11-08. Review status: criteria provided, single submitter. Criteria: ACMG Guidelines, 2015. Collection method: clinical testing. Allele origin: germline.

Ambry Genetics
Classification: Likely benign for Hereditary cancer-predisposing syndrome. Last evaluated: 2020-12-17. Review status: criteria provided, single submitter. Criteria: Ambry Variant Classification Scheme 2023. Collection method: clinical testing. Allele origin: germline.

NM_000368.5(TSC1):c.1590C>T (p.Ser530=)

Gene: TSC1 (TSC complex subunit 1; minus strand). Cytogenetic location: 9q34.13.
Variant type: single nucleotide variant.
Coding change: c.1590C>T on transcript NM_000368.5 (MANE Select); coding-DNA position 1590, C replaced by T.
Protein change: p.Ser530=; no amino-acid change (serine 530 retained).
Molecular consequence: synonymous variant.
Genome position (GRCh38, 1-based): chr9:132,905,988, G>A on the plus strand (C>T on the coding strand, the complement: TSC1 is on the minus strand). VCF-style: chr9-132905988-G-A. GRCh37 (hg19) VCF-style: chr9-135781375-G-A.
Other names: c.1587C>T, p.Ser529= (NM_001162426.2); c.1437C>T, p.Ser479= (NM_001162427.2); c.1227C>T, p.Ser409= (NM_001362177.2).
Identifiers: ClinVar variation 696554 (VCV000696554.19), dbSNP rs762424091, ClinGen allele CA029154.